The following is an entry in ClinVar:

ClinVar aggregate classification (germline): Conflicting classifications of pathogenicity. Review status: criteria provided, conflicting classifications (1 of 4 stars). 4 submissions from 2 submitters: Uncertain significance (2); Benign (1); Likely benign (1). Last evaluated 2025-09-28.

Conditions:
Elliptocytosis 2 (EL2). Also called: ELLIPTOCYTOSIS, RHESUS-UNLINKED TYPE. Identifiers: Orphanet 288, MedGen C1851741, MONDO:0007533, OMIM 130600.
Pyropoikilocytosis, hereditary. Also called: Pyropoikilocytosis. Identifiers: MedGen C0520739, MONDO:0009948, OMIM 266140, HP:0004839. Disease mechanism: loss of function.
Hereditary spherocytosis type 3. Also called: Spherocytosis type 3; SPTA1-Related Spherocytosis. Identifiers: Orphanet 822, MedGen C2678338, MONDO:0010053, OMIM 270970.

Allele frequency attached by ClinVar (database versions not stated): ESP Exome Variant Server 0.00016; gnomAD 0.00017 and 0.00019; gnomAD exomes 0.00020 and 0.00035; TOPMed 0.00020; ExAC 0.00034; 1000 Genomes Project 0.00060; 1000 Genomes Project 30x 0.00062.
gnomAD v4.1: 324 of 1,613,738 alleles (0.02%); highest among the groups gnomAD compares: East Asian, 0.41%; 3 homozygotes.

Submissions (4):

Labcorp Genetics (formerly Invitae), Labcorp
Classification: Benign. Last evaluated: 2025-09-28. Review status: criteria provided, single submitter. Criteria: Invitae Variant Classification Sherloc (09022015). Collection method: clinical testing. Allele origin: germline.

Illumina Laboratory Services, Illumina
Classification: Uncertain significance for Pyropoikilocytosis, hereditary. Last evaluated: 2018-01-13. Review status: criteria provided, single submitter. Criteria: ICSL Variant Classification Criteria 13 December 2019. Collection method: clinical testing. Allele origin: germline.

Illumina Laboratory Services, Illumina
Classification: Uncertain significance for Hereditary spherocytosis type 3. Last evaluated: 2018-01-13. Review status: criteria provided, single submitter. Criteria: ICSL Variant Classification Criteria 13 December 2019. Collection method: clinical testing. Allele origin: germline.

Illumina Laboratory Services, Illumina
Classification: Likely benign for Elliptocytosis 2. Last evaluated: 2018-01-13. Review status: criteria provided, single submitter. Criteria: ICSL Variant Classification Criteria 13 December 2019. Collection method: clinical testing. Allele origin: germline.
Comment: This variant was observed in the ICSL laboratory as part of a predisposition screen in an ostensibly healthy population. It had not been previously curated by ICSL or reported in the Human Gene Mutation Database (HGMD: prior to June 1st, 2018), and was therefore a candidate for classification through an automated scoring system. Utilizing variant allele frequency, disease prevalence and penetrance estimates, and inheritance mode, an automated score was calculated to assess if this variant is too frequent to cause the disease. Based on the score and internal cut-off values, a variant classified as likely benign is not then subjected to further curation. The score for this variant resulted in a classification of likely benign for this disease.

NM_003126.4(SPTA1):c.224T>C (p.Ile75Thr)

Gene: SPTA1 (spectrin alpha, erythrocytic 1; minus strand). Cytogenetic location: 1q23.1.
Variant type: single nucleotide variant.
Coding change: c.224T>C on transcript NM_003126.4 (MANE Select); coding-DNA position 224, T replaced by C.
Protein change: p.Ile75Thr; replaces isoleucine 75 with threonine.
Molecular consequence: missense variant.
Genome position (GRCh38, 1-based): chr1:158,685,148, A>G on the plus strand (T>C on the coding strand, the complement: SPTA1 is on the minus strand). VCF-style: chr1-158685148-A-G. GRCh37 (hg19) VCF-style: chr1-158654938-A-G.
Other names: short protein forms I75T.
Identifiers: ClinVar variation 293057 (VCV000293057.6), dbSNP rs146993090, ClinGen allele CA1184231.